The following is an entry in ClinVar:

NM_000426.4(LAMA2):c.6043A>C (p.Thr2015Pro)

Gene: LAMA2 (laminin subunit alpha 2; plus strand). Cytogenetic location: 6q22.33.
Variant type: single nucleotide variant.
Coding change: c.6043A>C on transcript NM_000426.4 (MANE Select); coding-DNA position 6043, A replaced by C.
Protein change: p.Thr2015Pro; replaces threonine 2015 with proline.
Molecular consequence: missense variant.
Genome position (GRCh38, 1-based): chr6:129,438,720, A>C. VCF-style: chr6-129438720-A-C. GRCh37 (hg19) VCF-style: chr6-129759865-A-C.
Other names: c.6043A>C, p.Thr2015Pro (NM_001079823.2); short protein forms T2015P.
Identifiers: ClinVar variation 1398613 (VCV001398613.4), dbSNP rs201248317, ClinGen allele CA3994081.

ClinVar aggregate classification (germline): Uncertain significance (1 of 4 stars; one submission).

Conditions:
LAMA2-related muscular dystrophy (LAMA2-RD). Also called: Laminin alpha 2-related dystrophy. Identifiers: MedGen C5679788, MONDO:0100228.

Allele frequency attached by ClinVar (database versions not stated): gnomAD exomes below 0.00001 and 0.00001; TOPMed below 0.00001; ExAC 0.00001; gnomAD 0.00001; 1000 Genomes Project 0.00020; 1000 Genomes Project 30x 0.00031.
gnomAD v4.1: 3 of 1,607,586 alleles (0.00019%); highest among the groups gnomAD compares: Admixed American, 0.005%; no homozygotes.

Submission:

Labcorp Genetics (formerly Invitae), Labcorp
Classification: Uncertain significance for LAMA2-related muscular dystrophy. Last evaluated: 2024-10-24. Review status: criteria provided, single submitter. Criteria: Invitae Variant Classification Sherloc (09022015). Collection method: clinical testing. Allele origin: germline.
Comment: This sequence change replaces threonine, which is neutral and polar, with proline, which is neutral and non-polar, at codon 2015 of the LAMA2 protein (p.Thr2015Pro). This variant is present in population databases (rs201248317, gnomAD 0.003%). This variant has not been reported in the literature in individuals affected with LAMA2-related conditions. ClinVar contains an entry for this variant (Variation ID: 1398613). Invitae Evidence Modeling of protein sequence and biophysical properties (such as structural, functional, and spatial information, amino acid conservation, physicochemical variation, residue mobility, and thermodynamic stability) indicates that this missense variant is not expected to disrupt LAMA2 protein function with a negative predictive value of 95%. In summary, the available evidence is currently insufficient to determine the role of this variant in disease. Therefore, it has been classified as a Variant of Uncertain Significance.